The following is an entry in ClinVar:

ClinVar aggregate classification (germline): Uncertain significance (1 of 4 stars; one submission).

Allele frequency attached by ClinVar (database versions not stated): ExAC 0.00002.
gnomAD v4.1: 5 of 1,605,704 alleles (0.00031%); highest among the groups gnomAD compares: East Asian, 0.011%; no homozygotes.

Submission:

Labcorp Genetics (formerly Invitae), Labcorp
Classification: Uncertain significance. Last evaluated: 2024-09-10. Review status: criteria provided, single submitter. Criteria: Invitae Variant Classification Sherloc (09022015). Collection method: clinical testing. Allele origin: germline.
Comment: This sequence change falls in intron 13 of the CLTC gene. It does not directly change the encoded amino acid sequence of the CLTC protein. It affects a nucleotide within the consensus splice site. This variant is present in population databases (rs748447657, gnomAD 0.03%). This variant has not been reported in the literature in individuals affected with CLTC-related conditions. ClinVar contains an entry for this variant (Variation ID: 1964560). Variants that disrupt the consensus splice site are a relatively common cause of aberrant splicing (PMID: 17576681, 9536098). Algorithms developed to predict the effect of sequence changes on RNA splicing suggest that this variant is not likely to affect RNA splicing. In summary, the available evidence is currently insufficient to determine the role of this variant in disease. Therefore, it has been classified as a Variant of Uncertain Significance.

Literature cited by the submitters: PubMed 17576681; PubMed 9536098.

NM_004859.4(CLTC):c.2128+6T>G

Gene: CLTC (clathrin heavy chain; plus strand). Cytogenetic location: 17q23.1.
Variant type: single nucleotide variant.
Coding change: c.2128+6T>G on transcript NM_004859.4 (MANE Select); 6 bases into the intron after coding-DNA position 2128, T replaced by G.
Molecular consequence: intron variant.
Genome position (GRCh38, 1-based): chr17:59,666,983, T>G. VCF-style: chr17-59666983-T-G. GRCh37 (hg19) VCF-style: chr17-57744344-T-G.
Other names: c.2140+6T>G (NM_001288653.2).
Identifiers: ClinVar variation 1964560 (VCV001964560.5), dbSNP rs748447657, ClinGen allele CA8681341.